The following is an entry in ClinVar:

ClinVar aggregate classification (germline): Conflicting classifications of pathogenicity. Review status: criteria provided, conflicting classifications (1 of 4 stars). 5 submissions from 4 submitters: Uncertain significance (3); Benign (1); Likely benign (1). Last evaluated 2026-06-05.

Conditions:
NOTCH1-related disorder. Also called: NOTCH1-related disorders; NOTCH1-related condition.
Adams-Oliver syndrome 5 (AOS5). Identifiers: Orphanet 974, MedGen C4014970, MONDO:0014459, OMIM 616028.
Aortic valve disease 1 (AOVD1). Identifiers: MedGen C3887892, MONDO:0024523, OMIM 109730.

Allele frequency attached by ClinVar (database versions not stated): gnomAD exomes 0.00003; ExAC 0.00004.
gnomAD v4.1: 39 of 1,600,530 alleles (0.0024%); highest among the groups gnomAD compares: Non-Finnish European, 0.0031%; no homozygotes.

Submissions (5):

PreventionGenetics, part of Exact Sciences
Classification: Uncertain significance for NOTCH1-related condition. Last evaluated: 2026-06-05. Review status: criteria provided, single submitter. Criteria: ACMG Guidelines, 2015. Collection method: clinical testing. Allele origin: germline.
Comment: The NOTCH1 c.7279G>A variant is predicted to result in the amino acid substitution p.Gly2427Ser. To our knowledge, this variant has not been reported in the literature. This variant is reported in 0.0056% of alleles in individuals of East Asian descent in gnomAD. At this time, the clinical significance of this variant is uncertain due to the absence of conclusive functional and genetic evidence.

Labcorp Genetics (formerly Invitae), Labcorp
Classification: Benign for Adams-Oliver syndrome 5. Last evaluated: 2025-10-06. Review status: criteria provided, single submitter. Criteria: Invitae Variant Classification Sherloc (09022015). Collection method: clinical testing. Allele origin: germline.

Blueprint Genetics
Classification: Likely benign. Last evaluated: 2024-09-17. Review status: criteria provided, single submitter. Criteria: ACMG Guidelines, 2015. Collection method: clinical testing. Allele origin: germline.

Genome-Nilou Lab
Classification: Uncertain significance for Adams-Oliver syndrome 5. Last evaluated: 2022-03-15. Review status: criteria provided, single submitter. Criteria: ACMG Guidelines, 2015. Collection method: clinical testing. Allele origin: germline. Affected: no.

Genome-Nilou Lab
Classification: Uncertain significance for Aortic valve disease 1. Last evaluated: 2022-03-15. Review status: criteria provided, single submitter. Criteria: ACMG Guidelines, 2015. Collection method: clinical testing. Allele origin: germline. Affected: no.

NM_017617.5(NOTCH1):c.7279G>A (p.Gly2427Ser)

Gene: NOTCH1 (notch receptor 1; minus strand). Cytogenetic location: 9q34.3.
Variant type: single nucleotide variant.
Coding change: c.7279G>A on transcript NM_017617.5 (MANE Select); coding-DNA position 7279, G replaced by A.
Protein change: p.Gly2427Ser; replaces glycine 2427 with serine.
Molecular consequence: missense variant.
Genome position (GRCh38, 1-based): chr9:136,496,460, C>T on the plus strand (G>A on the coding strand, the complement: NOTCH1 is on the minus strand). VCF-style: chr9-136496460-C-T. GRCh37 (hg19) VCF-style: chr9-139390912-C-T.
Other names: c.7279G>A (NM_017617.4); c.7279G>A, p.Gly2427Ser (LRG_1122t1); short protein forms G2427S.
Identifiers: ClinVar variation 241166 (VCV000241166.12), dbSNP rs370722609, ClinGen allele CA5339707.
Genomic context (GRCh38, chr9:136,496,460, plus strand): 5'-CCAGTGGCTGCACGTCTGCCTGGCTCGGCTCTCCACTCAGGAAGCTCCGGCCCAGGTGGC[C>T]GCTGGCTGCTGAGCTCACGCCAAGGTGCGGCTGTGGTGGTGGTGGTGGCGGCTGCAGGCT-3'
Protein context (NP_060087.3, residues 2417-2437): PHLGVSSAAS[Gly2427Ser]HLGRSFLSGE